The following is an entry in ClinVar:

NM_002317.7(LOX):c.1010G>A (p.Arg337Gln)

Genes: LOX (lysyl oxidase; minus strand), SRFBP1 (serum response factor binding protein 1; plus strand). Cytogenetic location: 5q23.1.
Variant type: single nucleotide variant.
Coding change: c.1010G>A on transcript NM_002317.7 (MANE Select); coding-DNA position 1010, G replaced by A.
Protein change: p.Arg337Gln; replaces arginine 337 with glutamine.
Molecular consequence: missense variant.
Genome position (GRCh38, 1-based): chr5:122,074,038, C>T on the plus strand (G>A on the coding strand, the complement: LOX is on the minus strand). VCF-style: chr5-122074038-C-T. GRCh37 (hg19) VCF-style: chr5-121409733-C-T.
Other names: c.1010G>A (NM_002317.5); c.320G>A, p.Arg107Gln (NM_001178102.2); c.119G>A, p.Arg40Gln (NM_001317073.1); short protein forms R107Q, R40Q, R337Q.
Identifiers: ClinVar variation 1432674 (VCV001432674.8), dbSNP rs1748578770, ClinGen allele CA360881412.

ClinVar aggregate classification (germline): Uncertain significance. Review status: criteria provided, multiple submitters, no conflicts (2 of 4 stars). 2 submissions from 2 submitters: Uncertain significance (2). Last evaluated 2025-11-07.

Conditions:
Cardiovascular phenotype. Identifiers: MedGen CN230736.

gnomAD v4.1: 2 of 1,614,038 alleles (0.00012%); highest among the groups gnomAD compares: East Asian, 0.0022%; no homozygotes.

Submissions (2):

Ambry Genetics
Classification: Uncertain significance for Cardiovascular phenotype. Last evaluated: 2025-11-07. Review status: criteria provided, single submitter. Criteria: Ambry Variant Classification Scheme 2023. Collection method: clinical testing. Allele origin: germline.
Comment: The p.R337Q variant (also known as c.1010G>A), located in coding exon 4 of the LOX gene, results from a G to A substitution at nucleotide position 1010. The arginine at codon 337 is replaced by glutamine, an amino acid with highly similar properties. This amino acid position is conserved. In addition, the in silico prediction for this alteration is inconclusive. Based on the available evidence, the clinical significance of this variant remains unclear.

Labcorp Genetics (formerly Invitae), Labcorp
Classification: Uncertain significance. Last evaluated: 2024-06-12. Review status: criteria provided, single submitter. Criteria: Invitae Variant Classification Sherloc (09022015). Collection method: clinical testing. Allele origin: germline.
Comment: This sequence change replaces arginine, which is basic and polar, with glutamine, which is neutral and polar, at codon 337 of the LOX protein (p.Arg337Gln). This variant is not present in population databases (gnomAD no frequency). This variant has not been reported in the literature in individuals affected with LOX-related conditions. ClinVar contains an entry for this variant (Variation ID: 1432674). Advanced modeling of protein sequence and biophysical properties (such as structural, functional, and spatial information, amino acid conservation, physicochemical variation, residue mobility, and thermodynamic stability) has been performed at Invitae for this missense variant, however the output from this modeling did not meet the statistical confidence thresholds required to predict the impact of this variant on LOX protein function. In summary, the available evidence is currently insufficient to determine the role of this variant in disease. Therefore, it has been classified as a Variant of Uncertain Significance.